The following is an entry in ClinVar:

NM_015374.3(SUN2):c.2094G>C (p.Trp698Cys)

Genes: GTPBP1 (GTP binding protein 1; plus strand), SUN2 (Sad1 and UNC84 domain containing 2; minus strand). Cytogenetic location: 22q13.1.
Variant type: single nucleotide variant.
Coding change: c.2094G>C on transcript NM_015374.3 (MANE Select); coding-DNA position 2094, G replaced by C.
Protein change: p.Trp698Cys; replaces tryptophan 698 with cysteine.
Molecular consequence: missense variant.
Genome position (GRCh38, 1-based): chr22:38,736,327, C>G on the plus strand (G>C on the coding strand, the complement: SUN2 is on the minus strand). VCF-style: chr22-38736327-C-G. GRCh37 (hg19) VCF-style: chr22-39132332-C-G.
Other names: c.2157G>C, p.Trp719Cys (NM_001199579.2, NM_001394428.1); c.2094G>C, p.Trp698Cys (NM_001199580.2, NM_001394432.1, NM_001394433.1 and 2 more transcripts); c.2187G>C, p.Trp729Cys (NM_001394427.1); c.2139G>C, p.Trp713Cys (NM_001394429.1, NM_001394430.1); c.2091G>C, p.Trp697Cys (NM_001394436.1, NM_001394437.1); c.2004G>C, p.Trp668Cys (NM_001394438.1); c.1956G>C, p.Trp652Cys (NM_001394439.1, NM_001394440.1, NM_001394441.1); c.1695G>C, p.Trp565Cys (NM_001394442.1); and 2 more; short protein forms W565C, W698C, W713C, W534C, W652C, W668C, W729C, W506C.
Identifiers: ClinVar variation 2193665 (VCV002193665.4), dbSNP rs535964776, ClinGen allele CA10235304.
Genomic context (GRCh38, chr22:38,736,327, plus strand): 5'-CTAGTGGGCGGGCTCCCCATGCACTCTGAAGCGGTAGATGCAGGTGTACTCGGGGTGGCC[C>G]CAGTTAGTCAGGATCCGCAGCTCCACCACCTGGTACGTGGCCATCGTAGGGGCCTGGGTA-3'
Protein context (NP_056189.1, residues 688-708): QVVELRILTN[Trp698Cys]GHPEYTCIYR

ClinVar aggregate classification (germline): Uncertain significance (1 of 4 stars; one submission).

Conditions:
Emery-Dreifuss muscular dystrophy (EDMD). Also called: Scapuloperoneal syndrome, X-linked (formerly); Humeroperoneal neuromuscular disease, (formerly). Identifiers: Orphanet 261, MedGen C0410189, MONDO:0016830.

Allele frequency attached by ClinVar (database versions not stated): gnomAD 0.00001; ExAC 0.00002; gnomAD exomes 0.00002; TOPMed 0.00002; 1000 Genomes Project 30x 0.00016; 1000 Genomes Project 0.00020.
gnomAD v4.1: 36 of 1,614,028 alleles (0.0022%); highest among the groups gnomAD compares: Middle Eastern, 0.05%; no homozygotes.

Submission:

Labcorp Genetics (formerly Invitae), Labcorp
Classification: Uncertain significance for Emery-Dreifuss muscular dystrophy. Last evaluated: 2025-10-01. Review status: criteria provided, single submitter. Criteria: Invitae Variant Classification Sherloc (09022015). Collection method: clinical testing. Allele origin: germline.
Comment: This sequence change replaces tryptophan, which is neutral and slightly polar, with cysteine, which is neutral and slightly polar, at codon 698 of the SUN2 protein (p.Trp698Cys). This variant is present in population databases (rs535964776, gnomAD 0.01%). This variant has not been reported in the literature in individuals affected with SUN2-related conditions. ClinVar contains an entry for this variant (Variation ID: 2193665). An algorithm developed to predict the effect of missense changes on protein structure and function (PolyPhen-2) suggests that this variant is likely to be disruptive. In summary, the available evidence is currently insufficient to determine the role of this variant in disease. Therefore, it has been classified as a Variant of Uncertain Significance.